The following is an entry in ClinVar:

NM_016335.6(PRODH):c.38dup (p.Cys13fs)

Gene: PRODH (proline dehydrogenase 1; minus strand). Cytogenetic location: 22q11.21.
Variant type: Duplication.
Coding change: c.38dup on transcript NM_016335.6 (MANE Select); coding-DNA position 38, one base duplicated (G; older notation c.38dupG).
Protein change: p.Cys13fs; shifts the reading frame from cysteine 13.
Molecular consequence: frameshift variant. On other transcripts: 5 prime UTR variant (1), intron variant (1).
Genome position (GRCh38, 1-based): chr22:18,936,250, C duplicated on the plus strand (G on the coding strand, the reverse complement: PRODH is on the minus strand). VCF-style (leftmost placement, unchanged base first): chr22-18936249-G-GC. GRCh37 (hg19) VCF-style: chr22-18923762-G-GC.
Other names: c.-132dup (NM_001368250.2); c.-52+140dup (NM_001195226.2); short protein forms C13fs.
Identifiers: ClinVar variation 2166769 (VCV002166769.4), dbSNP rs2517463579, ClinGen allele CA2580099086.

ClinVar aggregate classification (germline): Pathogenic (1 of 4 stars; one submission).

Conditions:
Proline dehydrogenase deficiency (HYRPRO1). Also called: PROLINE OXIDASE DEFICIENCY; Hyperprolinemia type 1. Identifiers: Orphanet 419, MedGen C0268529, MONDO:0009400, OMIM 239500.

Submission:

Labcorp Genetics (formerly Invitae), Labcorp
Classification: Pathogenic for Proline dehydrogenase deficiency. Last evaluated: 2024-02-03. Review status: criteria provided, single submitter. Criteria: Invitae Variant Classification Sherloc (09022015). Collection method: clinical testing. Allele origin: germline.
Comment: This sequence change creates a premature translational stop signal (p.Cys13Trpfs*164) in the PRODH gene. It is expected to result in an absent or disrupted protein product. Loss-of-function variants in PRODH are known to be pathogenic (PMID: 12525555, 15662599, 19736351). This variant is not present in population databases (gnomAD no frequency). This variant has not been reported in the literature in individuals affected with PRODH-related conditions. ClinVar contains an entry for this variant (Variation ID: 2166769). For these reasons, this variant has been classified as Pathogenic.

Literature cited by the submitters: PubMed 12525555; PubMed 15662599; PubMed 19736351.